The following is an entry in ClinVar:

ClinVar aggregate classification (germline): Benign/Likely benign. Review status: criteria provided, multiple submitters, no conflicts (2 of 4 stars). 7 submissions from 7 submitters: Benign (1); Likely benign (6). Last evaluated 2026-02-03.

Conditions:
Breast and/or ovarian cancer. Identifiers: MedGen CN221562.
Hereditary cancer-predisposing syndrome. Also called: Tumor predisposition; Hereditary Cancer Syndrome; Hereditary neoplastic syndrome; Neoplastic Syndromes, Hereditary. Identifiers: Orphanet 140162, MedGen C0027672, MeSH D009386, MONDO:0015356.
Hereditary diffuse gastric adenocarcinoma (HDGC). Also called: DIFFUSE GASTRIC AND LOBULAR BREAST CANCER SYNDROME. Identifiers: Orphanet 26106, MedGen C1708349, MONDO:0007648, OMIM 137215.

Allele frequency attached by ClinVar (database versions not stated): gnomAD exomes 0.00001 and below 0.00001; TOPMed below 0.00001; ExAC 0.00001; gnomAD 0.00001.
gnomAD v4.1: 10 of 1,614,210 alleles (0.00062%); highest among the groups gnomAD compares: Non-Finnish European, 0.00076%; no homozygotes.

Submissions (7):

Labcorp Genetics (formerly Invitae), Labcorp
Classification: Likely benign for Hereditary diffuse gastric adenocarcinoma. Last evaluated: 2026-02-03. Review status: criteria provided, single submitter. Criteria: Invitae Variant Classification Sherloc (09022015). Collection method: clinical testing. Allele origin: germline.

Quest Diagnostics Nichols Institute San Juan Capistrano
Classification: Likely benign. Last evaluated: 2025-08-26. Review status: criteria provided, single submitter. Criteria: Quest Diagnostics criteria. Collection method: clinical testing. Allele origin: unknown.

Myriad Genetics, Inc.
Classification: Benign for Hereditary diffuse gastric adenocarcinoma. Last evaluated: 2024-09-24. Review status: criteria provided, single submitter. Criteria: Myriad Autosomal Dominant, Autosomal Recessive and X-Linked Classification Criteria (2023). Collection method: clinical testing. Allele origin: unknown.
Comment: This variant is considered benign. This variant is a silent/synonymous amino acid change and it is not expected to impact splicing.

CHEO Genetics Diagnostic Laboratory, Children's Hospital of Eastern Ontario
Classification: Likely benign for Breast and/or ovarian cancer. Last evaluated: 2022-12-20. Review status: criteria provided, single submitter. Criteria: ACMG Guidelines, 2015. Collection method: clinical testing. Allele origin: germline.

Color Diagnostics, LLC DBA Color Health
Classification: Likely benign for Hereditary cancer-predisposing syndrome. Last evaluated: 2016-10-05. Review status: criteria provided, single submitter. Criteria: ACMG Guidelines, 2015. Collection method: clinical testing. Allele origin: germline.

GeneDx
Classification: Likely benign. Last evaluated: 2016-07-06. Review status: criteria provided, single submitter. Criteria: GeneDx Variant Classification (06012015). Collection method: clinical testing. Allele origin: germline. Affected: yes.
Comment: This variant is considered likely benign or benign based on one or more of the following criteria: it is a conservative change, it occurs at a poorly conserved position in the protein, it is predicted to be benign by multiple in silico algorithms, and/or has population frequency not consistent with disease.

Ambry Genetics
Classification: Likely benign for Hereditary cancer-predisposing syndrome. Last evaluated: 2015-01-06. Review status: criteria provided, single submitter. Criteria: Ambry Variant Classification Scheme 2023. Collection method: clinical testing. Allele origin: germline.

NM_004360.5(CDH1):c.2577T>C (p.Tyr859=)

Gene: CDH1 (cadherin 1; plus strand). Cytogenetic location: 16q22.1.
Variant type: single nucleotide variant.
Coding change: c.2577T>C on transcript NM_004360.5 (MANE Select); coding-DNA position 2577, T replaced by C.
Protein change: p.Tyr859=; no amino-acid change (tyrosine 859 retained).
Molecular consequence: synonymous variant.
Genome position (GRCh38, 1-based): chr16:68,833,427, T>C. VCF-style: chr16-68833427-T-C. GRCh37 (hg19) VCF-style: chr16-68867330-T-C.
Other names: c.2577T>C (LRG_301t1, NM_004360.4); c.2394T>C, p.Tyr798= (NM_001317184.2); c.1029T>C, p.Tyr343= (NM_001317185.2); c.612T>C, p.Tyr204= (NM_001317186.2).
Identifiers: ClinVar variation 184868 (VCV000184868.21), dbSNP rs765545887, ClinGen allele CA190309.